The following is an entry in ClinVar:

ClinVar aggregate classification (germline): Pathogenic (1 of 4 stars; one submission).

Conditions:
Cohen syndrome (COH1). Also called: PEPPER SYNDROME; Cutis verticis gyrata, retinitis pigmentosa, and sensorineural deafness. Identifiers: Orphanet 193, MedGen C0265223, MONDO:0008999, OMIM 216550.

Submission:

Labcorp Genetics (formerly Invitae), Labcorp
Classification: Pathogenic for Cohen syndrome. Last evaluated: 2022-08-15. Review status: criteria provided, single submitter. Criteria: Invitae Variant Classification Sherloc (09022015). Collection method: clinical testing. Allele origin: germline.
Comment: This variant is a gross deletion of the genomic region encompassing exon(s) 22-31 of the VPS13B gene. This deletion is out-of-frame, and is expected to create a premature termination codon and result in an absent or disrupted protein product. Loss-of-function variants in VPS13B are known to be pathogenic (PMID: 15141358, 16648375, 20461111). This variant has not been reported in the literature in individuals affected with VPS13B-related conditions. For these reasons, this variant has been classified as Pathogenic.

Literature cited by the submitters: PubMed 15141358; PubMed 16648375; PubMed 20461111.

NC_000008.10:g.(?_100443755)_(100568891_?)del

Gene: VPS13B (vacuolar protein sorting 13 homolog B; plus strand). Cytogenetic location: 8q22.2.
Variant type: Deletion.
Identifiers: ClinVar variation 1457471 (VCV001457471.4).